The following is an entry in ClinVar:

NM_003119.4(SPG7):c.759-11_759-8del

Gene: SPG7 (SPG7 matrix AAA peptidase subunit, paraplegin; plus strand). Cytogenetic location: 16q24.3.
Variant type: Microsatellite.
Coding change: c.759-11_759-8del on transcript NM_003119.4 (MANE Select); 11 bases into the intron before coding-DNA position 759 through 8 bases into the intron before coding-DNA position 759, 4 bases deleted (TCTT; older notation c.759-11_759-8delTCTT).
Molecular consequence: intron variant.
Genome position (GRCh38, 1-based): chr16:89,529,466-89,529,469, TCTT deleted; deleting any 4 consecutive bases within chr16:89,529,462-89,529,469 gives the same sequence; the c. name uses the placement nearest the transcript's 3' end. VCF-style (leftmost placement, unchanged base first): chr16-89529461-CTCTT-C. GRCh37 (hg19) VCF-style: chr16-89595869-CTCTT-C.
Other names: c.759-11_759-8del (NM_001363850.1, NM_199367.3); c.759-11_759-8delTCTT (NM_003119.4).
Identifiers: ClinVar variation 989041 (VCV000989041.5), dbSNP rs758385553, ClinGen allele CA8243770.
Genomic context (GRCh38, chr16:89,529,461, plus strand): 5'-GTGGTTCTGATTTGGAAGCCTGCGTCTGTCACGTGACACCGTCTGAGCCTGTGCCTGCCT[CTCTT>C]TCTTCCGGCAGTGCCCTGTACTCTGTGGGGATGACGGCAGTGGGCCTGGCCATCCTGTGG-3'

ClinVar aggregate classification (germline): Conflicting classifications of pathogenicity. Review status: criteria provided, conflicting classifications (1 of 4 stars). 3 submissions from 3 submitters: Pathogenic (1); Uncertain significance (2). Last evaluated 2024-09-11.

Conditions:
Hereditary spastic paraplegia 7 (SPG7). Also called: SPASTIC PARAPLEGIA 7, AUTOSOMAL RECESSIVE, WITH OR WITHOUT CEREBELLAR ATAXIA; Spastic paraplegia 7; Hereditary spastic paraplegia Paraplegin type; Autosomal recessive spastic paraplegia type 7; SPG7-related neurologic disorder. Identifiers: Orphanet 99013, MedGen C1846564, MONDO:0011803, OMIM 607259.

Submissions (3):

Women's Health and Genetics/Laboratory Corporation of America, LabCorp
Classification: Uncertain significance. Last evaluated: 2024-09-11. Review status: criteria provided, single submitter. Criteria: LabCorp Variant Classification Summary - May 2015. Collection method: clinical testing. Allele origin: germline.
Comment: Variant summary: SPG7 c.759-11_759-8delTCTT alters non-conserved nucleotides located close to a canonical splice site and therefore could affect mRNA splicing, leading to a significantly altered protein sequence. Consensus agreement among computation tools predict no significant impact on normal splicing. However, these predictions have yet to be confirmed by functional studies. The variant allele was found at a frequency of 1.7e-05 in 242384 control chromosomes. The available data on variant occurrences in the general population are insufficient to allow any conclusion about variant significance. c.759-11_759-8delTCTT has been reported in the literature in one unspecified individual affected with Hereditary Spastic Paraplegia (Mereaux_2022). These report(s) do not provide unequivocal conclusions about association of the variant with Hereditary Spastic Paraplegia 7. To our knowledge, no experimental evidence demonstrating an impact on protein function has been reported. The following publication has been ascertained in the context of this evaluation (PMID: 34983064). ClinVar contains an entry for this variant (Variation ID: 989041). Based on the evidence outlined above, the variant was classified as uncertain significance.

Labcorp Genetics (formerly Invitae), Labcorp
Classification: Uncertain significance for Hereditary spastic paraplegia 7. Last evaluated: 2023-07-28. Review status: criteria provided, single submitter. Criteria: Invitae Variant Classification Sherloc (09022015). Collection method: clinical testing. Allele origin: germline.
Comment: This sequence change falls in intron 5 of the SPG7 gene. It does not directly change the encoded amino acid sequence of the SPG7 protein. This variant is present in population databases (rs758385553, gnomAD 0.006%). This variant has not been reported in the literature in individuals affected with SPG7-related conditions. Algorithms developed to predict the effect of sequence changes on RNA splicing suggest that this variant may disrupt the consensus splice site. In summary, the available evidence is currently insufficient to determine the role of this variant in disease. Therefore, it has been classified as a Variant of Uncertain Significance.

Paris Brain Institute, Inserm - ICM
Classification: Pathogenic for Hereditary spastic paraplegia 7. Review status: criteria provided, single submitter. Criteria: ACMG Guidelines, 2015. Collection method: clinical testing. Allele origin: unknown. Affected: yes. Observed: 1 variant allele.

Literature cited by the submitters: PubMed 34983064 (cited by Women's Health and Genetics/Laboratory Corporation of America, LabCorp).